The following is an entry in ClinVar:

NM_001364905.1(LRBA):c.3298T>C (p.Ser1100Pro)

Gene: LRBA (LPS responsive beige-like anchor protein; minus strand). Cytogenetic location: 4q31.3.
Variant type: single nucleotide variant.
Coding change: c.3298T>C on transcript NM_001364905.1 (MANE Select); coding-DNA position 3298, T replaced by C.
Protein change: p.Ser1100Pro; replaces serine 1100 with proline.
Molecular consequence: missense variant.
Genome position (GRCh38, 1-based): chr4:150,852,412, A>G on the plus strand (T>C on the coding strand, the complement: LRBA is on the minus strand). VCF-style: chr4-150852412-A-G. GRCh37 (hg19) VCF-style: chr4-151773564-A-G.
Other names: c.3298T>C, p.Ser1100Pro (NM_001199282.3, NM_001367550.1, NM_006726.5); short protein forms S1100P.
Identifiers: ClinVar variation 2866997 (VCV002866997.3), dbSNP rs2546500739, ClinGen allele CA358458957.

ClinVar aggregate classification (germline): Uncertain significance (1 of 4 stars; one submission).

Conditions:
Combined immunodeficiency due to LRBA deficiency. Also called: Common variable immunodeficiency 8, with autoimmunity. Identifiers: Orphanet 445018, MedGen C3553512, MONDO:0013863, OMIM 614700.

Submission:

Labcorp Genetics (formerly Invitae), Labcorp
Classification: Uncertain significance for Combined immunodeficiency due to LRBA deficiency. Last evaluated: 2023-05-22. Review status: criteria provided, single submitter. Criteria: Invitae Variant Classification Sherloc (09022015). Collection method: clinical testing. Allele origin: germline.
Comment: In summary, the available evidence is currently insufficient to determine the role of this variant in disease. Therefore, it has been classified as a Variant of Uncertain Significance. An algorithm developed to predict the effect of missense changes on protein structure and function (PolyPhen-2) suggests that this variant is likely to be disruptive. This variant has not been reported in the literature in individuals affected with LRBA-related conditions. This variant is not present in population databases (gnomAD no frequency). This sequence change replaces serine, which is neutral and polar, with proline, which is neutral and non-polar, at codon 1100 of the LRBA protein (p.Ser1100Pro).